The following is an entry in ClinVar:

NM_000219.6(KCNE1):c.250T>C (p.Ser84Pro)

Gene: KCNE1 (potassium voltage-gated channel subfamily E regulatory subunit 1; minus strand). Cytogenetic location: 21q22.12.
Variant type: single nucleotide variant.
Coding change: c.250T>C on transcript NM_000219.6 (MANE Select); coding-DNA position 250, T replaced by C.
Protein change: p.Ser84Pro; replaces serine 84 with proline.
Molecular consequence: missense variant.
Genome position (GRCh38, 1-based): chr21:34,449,385, A>G on the plus strand (T>C on the coding strand, the complement: KCNE1 is on the minus strand). VCF-style: chr21-34449385-A-G. GRCh37 (hg19) VCF-style: chr21-35821683-A-G.
Other names: c.250T>C, p.Ser84Pro (NM_001127668.4, NM_001127669.4, NM_001127670.4 and 4 more transcripts); short protein forms S84P.
Identifiers: ClinVar variation 3374438 (VCV003374438.2).
Genomic context (GRCh38, chr21:34,449,385, plus strand): 5'-TGTAGCTCTCCAGGACCCGGGCCTGGACATAGGCCTTGTCCTTCTCTTGCCAGGCATCGG[A>G]CTCGATGTAGACGTTGAATGGGTCGTTCGAGTGCTCCAGCTTCTTGGAGCGGATGTAGCT-3'
Protein context (NP_000210.2, residues 74-94): SNDPFNVYIE[Ser84Pro]DAWQEKDKAY

Conditions:
Long QT syndrome 5 (LQT5). Identifiers: Orphanet 101016, Orphanet 768, MedGen C1867904, MONDO:0013372, OMIM 613695.

gnomAD v4.1: 2 of 1,604,350 alleles (0.00012%); highest among the groups gnomAD compares: South Asian, 0.0022%; no homozygotes.

Submission:

Roden Lab, Vanderbilt University Medical Center
No classification provided (evidence only). Condition: Long QT syndrome 5. Review status: no classification provided. Collection method: in vitro. Allele origin: not applicable. Functional consequence: Effect on ion channel function.
ClinVar note: "not provided" was previously submitted as the classification for the variant. However, the classification appeared to be based only on an observation of functional data so it was converted to no classification on 2025-07-30.